The following is an entry in ClinVar:

ClinVar aggregate classification (germline): Uncertain significance. Review status: criteria provided, multiple submitters, no conflicts (2 of 4 stars). 5 submissions from 5 submitters: Uncertain significance (5). Last evaluated 2026-01-04.

Conditions:
Autosomal recessive limb-girdle muscular dystrophy type 2L (LGMDR12). Also called: Limb-Girdle Muscular Dystrophy R12 Anoctamin-5-Related (LGMD-R12); Limb-girdle muscular dystrophy, type 2L; MUSCULAR DYSTROPHY, LIMB-GIRDLE, AUTOSOMAL RECESSIVE 12. Identifiers: Orphanet 206549, MedGen C1969785, MONDO:0012652, OMIM 611307.
Gnathodiaphyseal dysplasia (GDD). Also called: GNATHODIAPHYSEAL SCLEROSIS; OSTEOGENESIS IMPERFECTA WITH UNUSUAL SKELETAL LESIONS. Identifiers: Orphanet 53697, MedGen C1833736, MONDO:0008151, OMIM 166260.

Allele frequency attached by ClinVar (database versions not stated): gnomAD 0.00001; TOPMed 0.00001; ExAC 0.00002; gnomAD exomes 0.00002; ESP Exome Variant Server 0.00008.
gnomAD v4.1: 83 of 1,605,842 alleles (0.0052%); highest among the groups gnomAD compares: Non-Finnish European, 0.007%; no homozygotes.

Submissions (5):

Labcorp Genetics (formerly Invitae), Labcorp
Classification: Uncertain significance for Autosomal recessive limb-girdle muscular dystrophy type 2L; Gnathodiaphyseal dysplasia. Last evaluated: 2026-01-04. Review status: criteria provided, single submitter. Criteria: Invitae Variant Classification Sherloc (09022015). Collection method: clinical testing. Allele origin: germline.
Comment: This sequence change replaces methionine, which is neutral and non-polar, with threonine, which is neutral and polar, at codon 839 of the ANO5 protein (p.Met839Thr). This variant is present in population databases (rs150442899, gnomAD 0.004%). This missense change has been observed in individual(s) with clinical features of limb-girdle muscular dystrophy (PMID: 30564623). ClinVar contains an entry for this variant (Variation ID: 446842). Invitae Evidence Modeling of protein sequence and biophysical properties (such as structural, functional, and spatial information, amino acid conservation, physicochemical variation, residue mobility, and thermodynamic stability) has been performed for this missense variant. However, the output from this modeling did not meet the statistical confidence thresholds required to predict the impact of this variant on ANO5 protein function. In summary, the available evidence is currently insufficient to determine the role of this variant in disease. Therefore, it has been classified as a Variant of Uncertain Significance.

GeneDx
Classification: Uncertain significance. Last evaluated: 2024-10-18. Review status: criteria provided, single submitter. Criteria: GeneDx Variant Classification Process June 2021. Collection method: clinical testing. Allele origin: germline. Affected: yes.
Comment: Reported in a patient in the published literature with a suspicion of limb-girdle muscular dystrophy; however, detailed clinical information was not provided (PMID: 30564623); Not observed at significant frequency in large population cohorts (gnomAD); In silico analysis supports that this missense variant has a deleterious effect on protein structure/function; This variant is associated with the following publications: (PMID: 30564623)

Revvity Omics, Revvity
Classification: Uncertain significance. Last evaluated: 2019-06-27. Review status: criteria provided, single submitter. Criteria: ACMG Guidelines, 2015. Collection method: clinical testing. Allele origin: germline.

Eurofins Ntd Llc (ga)
Classification: Uncertain significance. Last evaluated: 2017-02-02. Review status: criteria provided, single submitter. Criteria: EGL Classification Definitions 2015. Collection method: clinical testing. Allele origin: germline. Observed: 1 variant allele, 1 heterozygote.

Athena Diagnostics
Classification: Uncertain significance. Last evaluated: 2017-01-17. Review status: criteria provided, single submitter. Criteria: Athena Diagnostics Criteria. Collection method: clinical testing. Allele origin: germline.

Literature cited by the submitters: PubMed 30564623 (cited by Labcorp Genetics (formerly Invitae), Labcorp).

NM_213599.3(ANO5):c.2516T>C (p.Met839Thr)

Gene: ANO5 (anoctamin 5; plus strand). Cytogenetic location: 11p14.3.
Variant type: single nucleotide variant.
Coding change: c.2516T>C on transcript NM_213599.3 (MANE Select); coding-DNA position 2516, T replaced by C.
Protein change: p.Met839Thr; replaces methionine 839 with threonine.
Molecular consequence: missense variant.
Genome position (GRCh38, 1-based): chr11:22,276,195, T>C. VCF-style: chr11-22276195-T-C. GRCh37 (hg19) VCF-style: chr11-22297741-T-C.
Other names: c.2513T>C, p.Met838Thr (NM_001142649.2); short protein forms M839T, M838T.
Identifiers: ClinVar variation 446842 (VCV000446842.16), dbSNP rs150442899, ClinGen allele CA5923600.